The following is an entry in ClinVar:

NM_032193.4(RNASEH2C):c.215_218delinsTGGC (p.Glu72_Val73delinsValAla)

Gene: RNASEH2C (ribonuclease H2 subunit C; minus strand). Cytogenetic location: 11q13.1.
Variant type: Indel.
Coding change: c.215_218delinsTGGC on transcript NM_032193.4 (MANE Select); coding-DNA positions 215 to 218, AGGT replaced by TGGC.
Protein change: p.Glu72_Val73delinsValAla.
Molecular consequence: missense variant.
Genome position (GRCh38, 1-based): chr11:65,720,372-65,720,375, ACCT replaced by GCCA on the plus strand (AGGT replaced by TGGC on the coding strand, the reverse complement: RNASEH2C is on the minus strand). VCF-style: chr11-65720372-ACCT-GCCA. GRCh37 (hg19) VCF-style: chr11-65487843-ACCT-GCCA.
Identifiers: ClinVar variation 4847627 (VCV004847627.1).

ClinVar aggregate classification (germline): Pathogenic (1 of 4 stars; one submission).

Conditions:
Aicardi Goutieres syndrome (AGS). Also called: Encephalopathy, familial infantile, with calcification of basal ganglia and chronic cerebrospinal fluid lymphocytosis. Identifiers: Orphanet 51, MedGen C0393591, MONDO:0018866.

Submission:

Women's Health and Genetics/Laboratory Corporation of America, LabCorp
Classification: Pathogenic for Aicardi Goutieres syndrome. Last evaluated: 2026-03-27. Review status: criteria provided, single submitter. Criteria: LabCorp Variant Classification Summary - May 2015. Collection method: clinical testing. Allele origin: germline.
Comment: Variant summary: RNASEH2C c.215_218delinsTGGC (p.Glu72_Val73delinsValAla) results in an in-frame deletion-insertion that is predicted to delete p.Glu72_Val73 from the protein and insert two amino acids (ValAla). The variant was absent in 251080 control chromosomes (gnomAD). c.215_218delinsTGGC has been observed in multiple individuals affected with clinical features of Aicardi Goutieres Syndrome (Crow_2015, Rice_2016, Lhamtsho_2020). These data indicate that the variant is very likely to be associated with disease. To our knowledge, no experimental evidence demonstrating an impact on protein function has been reported. The following publications have been ascertained in the context of this evaluation (PMID: 25604658, 33681774, 27943079). No submitters have cited clinical-significance assessments for this variant to ClinVar. Based on the evidence outlined above, the variant was classified as pathogenic.

Literature cited by the submitters: PubMed 25604658; PubMed 27943079; PubMed 33681774.